The following is an entry in ClinVar:

NM_006267.5(RANBP2):c.7841C>T (p.Pro2614Leu)

Gene: RANBP2 (RAN binding protein 2; plus strand). Cytogenetic location: 2q13.
Variant type: single nucleotide variant.
Coding change: c.7841C>T on transcript NM_006267.5 (MANE Select); coding-DNA position 7841, C replaced by T.
Protein change: p.Pro2614Leu; replaces proline 2614 with leucine.
Molecular consequence: missense variant.
Genome position (GRCh38, 1-based): chr2:108,768,380, C>T. VCF-style: chr2-108768380-C-T. GRCh37 (hg19) VCF-style: chr2-109384836-C-T.
Other names: c.7841C>T, p.Pro2614Leu (NM_001415871.1, NM_001415873.1); c.7838C>T, p.Pro2613Leu (NM_001415872.1); short protein forms P2613L, P2614L.
Identifiers: ClinVar variation 2507178 (VCV002507178.1), dbSNP rs1350325862, ClinGen allele CA348080648.

ClinVar aggregate classification (germline): Uncertain significance (1 of 4 stars; one submission).

gnomAD v4.1: 1 of 1,611,386 alleles (0.000062%); highest among the groups gnomAD compares: East Asian, 0.0022%; no homozygotes.

Submission:

GeneDx
Classification: Uncertain significance. Last evaluated: 2022-12-29. Review status: criteria provided, single submitter. Criteria: GeneDx Variant Classification Process June 2021. Collection method: clinical testing. Allele origin: germline. Affected: yes.
Comment: Not observed at significant frequency in large population cohorts (gnomAD); In silico analysis supports that this missense variant does not alter protein structure/function; Has not been previously published as pathogenic or benign to our knowledge